The following is an entry in ClinVar:

NM_005401.5(PTPN14):c.2514C>T (p.Asp838=)

Gene: PTPN14 (protein tyrosine phosphatase non-receptor type 14; minus strand). Cytogenetic location: 1q32.3.
Variant type: single nucleotide variant.
Coding change: c.2514C>T on transcript NM_005401.5 (MANE Select); coding-DNA position 2514, C replaced by T.
Protein change: p.Asp838=; no amino-acid change (aspartic acid 838 retained).
Molecular consequence: synonymous variant.
Genome position (GRCh38, 1-based): chr1:214,383,341, G>A on the plus strand (C>T on the coding strand, the complement: PTPN14 is on the minus strand). VCF-style: chr1-214383341-G-A. GRCh37 (hg19) VCF-style: chr1-214556684-G-A.
Identifiers: ClinVar variation 788721 (VCV000788721.7), dbSNP rs146424456, ClinGen allele CA1388858.
Genomic context (GRCh38, chr1:214,383,341, plus strand): 5'-GAAAATGCCCTGGGAGAGGAGGACACTCACCCTGATCATCATCTCTCTCTCTATAATGCT[G>A]TCTTCCAGGGAAAACATTTCAGACACAGGTCTCTCCTTCACAGGCTCTTTTTTGACCCGC-3'
Protein context (NP_005392.2, residues 828-848): RPVSEMFSLE[Asp838=]SIIEREMMIR

ClinVar aggregate classification (germline): Benign/Likely benign. Review status: criteria provided, multiple submitters, no conflicts (2 of 4 stars). 3 submissions from 3 submitters: Benign (1); Likely benign (1). 1 of the submissions does not count toward it. Last evaluated 2024-10-22.

Conditions:
PTPN14-related disorder. Also called: PTPN14-related condition.

Allele frequency attached by ClinVar (database versions not stated): 1000 Genomes Project 30x 0.00062; 1000 Genomes Project 0.00080; gnomAD exomes 0.00210 and 0.00359; TOPMed 0.00212; ExAC 0.00221; gnomAD 0.00239 and 0.00247; ESP Exome Variant Server 0.00361.
gnomAD v4.1: 5,530 of 1,614,062 alleles (0.34%); highest among the groups gnomAD compares: Non-Finnish European, 0.43%; 12 homozygotes.

Submissions (3):

Blueprint Genetics
Classification: Likely benign. Last evaluated: 2024-10-22. Review status: criteria provided, single submitter. Criteria: ACMG Guidelines, 2015. Collection method: clinical testing. Allele origin: germline.

Labcorp Genetics (formerly Invitae), Labcorp
Classification: Benign. Last evaluated: 2019-12-31. Review status: criteria provided, single submitter. Criteria: Invitae Variant Classification Sherloc (09022015). Collection method: clinical testing. Allele origin: germline.

PreventionGenetics, part of Exact Sciences
Classification: Likely benign for PTPN14-related condition. Last evaluated: 2020-03-02. Review status: no assertion criteria provided. Collection method: clinical testing. Allele origin: germline. Not counted in ClinVar's aggregate classification.
Comment: This variant is classified as likely benign based on ACMG/AMP sequence variant interpretation guidelines (Richards et al. 2015 PMID: 25741868, with internal and published modifications).